The following is an entry in ClinVar:

ClinVar aggregate classification (germline): Uncertain significance (1 of 4 stars; one submission).

Submission:

GeneDx
Classification: Uncertain significance. Last evaluated: 2023-09-18. Review status: criteria provided, single submitter. Criteria: GeneDx Variant Classification Process June 2021. Collection method: clinical testing. Allele origin: germline. Affected: yes.
Comment: Not observed at significant frequency in large population cohorts (gnomAD); In silico analysis supports that this missense variant has a deleterious effect on protein structure/function; Has not been previously published as pathogenic or benign to our knowledge; This variant is associated with the following publications: (PMID: 21139634, 26094131)

NM_014946.4(SPAST):c.1654T>G (p.Leu552Val)

Gene: SPAST (spastin; plus strand). Cytogenetic location: 2p22.3.
Variant type: single nucleotide variant.
Coding change: c.1654T>G on transcript NM_014946.4 (MANE Select); coding-DNA position 1654, T replaced by G.
Protein change: p.Leu552Val; replaces leucine 552 with valine.
Molecular consequence: missense variant. On other transcripts: intron variant (1).
Genome position (GRCh38, 1-based): chr2:32,144,974, T>G. VCF-style: chr2-32144974-T-G. GRCh37 (hg19) VCF-style: chr2-32370043-T-G.
Other names: c.1651T>G, p.Leu551Val (NM_001363823.2); c.1555T>G, p.Leu519Val (NM_001363875.2); c.1558T>G, p.Leu520Val (NM_199436.2); c.1520+1559T>G (NM_001377959.1); short protein forms L519V, L520V, L551V, L552V.
Identifiers: ClinVar variation 3340371 (VCV003340371.1).
Genomic context (GRCh38, chr2:32,144,974, plus strand): 5'-TGTTTCTTCCTTCCCTTCCTCAGAATGACTGATGGATACTCAGGAAGTGACCTAACAGCT[T>G]TGGCAAAAGATGCAGCACTGGGTCCTATCCGAGGTAGGTATACAAGAGCTTAAAACATTT-3'
Protein context (NP_055761.2, residues 542-562): DGYSGSDLTA[Leu552Val]AKDAALGPIR